The following is an entry in ClinVar:

ClinVar aggregate classification (germline): Likely benign (1 of 4 stars; one submission).

gnomAD v4.1: 46 of 1,532,590 alleles (0.003%); highest among the groups gnomAD compares: Admixed American, 0.016%; no homozygotes.

Submission:

Mayo Clinic Laboratories, Mayo Clinic
Classification: Likely benign. Last evaluated: 2025-07-02. Review status: criteria provided, single submitter. Criteria: ACMG Guidelines, 2015. Collection method: clinical testing. Allele origin: germline. Observed: 1 variant allele.
Comment: BP4, BP7, PM2_supporting

NM_001142864.4(PIEZO1):c.1227G>A (p.Ala409=)

Genes: HSALR1 (HSP90AB1 associated lncRNA 1; plus strand), PIEZO1 (piezo type mechanosensitive ion channel component 1 (Er blood group); minus strand). Cytogenetic location: 16q24.3.
Variant type: single nucleotide variant.
Coding change: c.1227G>A on transcript NM_001142864.4 (MANE Select); coding-DNA position 1227, G replaced by A.
Protein change: p.Ala409=; no amino-acid change (alanine 409 retained).
Molecular consequence: synonymous variant.
Genome position (GRCh38, 1-based): chr16:88,736,708, C>T on the plus strand (G>A on the coding strand, the complement: PIEZO1 is on the minus strand). VCF-style: chr16-88736708-C-T. GRCh37 (hg19) VCF-style: chr16-88803116-C-T.
Other names: p.Ala409=.
Identifiers: ClinVar variation 4684154 (VCV004684154.1).